The following is an entry in ClinVar:

ClinVar aggregate classification (germline): Pathogenic. Review status: criteria provided, multiple submitters, no conflicts (2 of 4 stars). 3 submissions from 3 submitters: Pathogenic (3). Last evaluated 2025-12-08.

Conditions:
Familial adenomatous polyposis 4 (FAP4). Also called: MSH3-related attenuated familial adenomatous polyposis. Identifiers: Orphanet 480536, MedGen C4310719, MONDO:0044300, OMIM 617100.
Hereditary cancer-predisposing syndrome. Also called: Neoplastic Syndromes, Hereditary; Tumor predisposition; Hereditary Cancer Syndrome; Hereditary neoplastic syndrome. Identifiers: Orphanet 140162, MedGen C0027672, MeSH D009386, MONDO:0015356.

Submissions (3):

Labcorp Genetics (formerly Invitae), Labcorp
Classification: Pathogenic. Last evaluated: 2025-12-08. Review status: criteria provided, single submitter. Criteria: Invitae Variant Classification Sherloc (09022015). Collection method: clinical testing. Allele origin: germline.
Comment: This sequence change creates a premature translational stop signal (p.Val580*) in the MSH3 gene. It is expected to result in an absent or disrupted protein product. Loss-of-function variants in MSH3 are known to be pathogenic (PMID: 27476653, 37402566). This variant is present in population databases (no rsID available, gnomAD 0.008%). This variant has not been reported in the literature in individuals affected with MSH3-related conditions. ClinVar contains an entry for this variant (Variation ID: 1779125). For these reasons, this variant has been classified as Pathogenic.

Ambry Genetics
Classification: Pathogenic for Hereditary cancer-predisposing syndrome. Last evaluated: 2024-11-12. Review status: criteria provided, single submitter. Criteria: Ambry Variant Classification Scheme 2023. Collection method: clinical testing. Allele origin: germline.
Comment: The c.1738delG variant, located in coding exon 12 of the MSH3 gene, results from a deletion of one nucleotide at nucleotide position 1738, causing a translational frameshift with a predicted alternate stop codon (p.V580*). This variant is considered to be rare based on population cohorts in the Genome Aggregation Database (gnomAD). This alteration is expected to result in loss of function by premature protein truncation or nonsense-mediated mRNA decay. As such, this alteration is interpreted as a disease-causing mutation.

Myriad Genetics, Inc.
Classification: Pathogenic for Familial adenomatous polyposis 4. Last evaluated: 2023-08-30. Review status: criteria provided, single submitter. Criteria: Myriad Autosomal Dominant, Autosomal Recessive and X-Linked Classification Criteria (2023). Collection method: clinical testing. Allele origin: unknown.
Comment: This variant is considered pathogenic. This variant creates a termination codon and is predicted to result in premature protein truncation.

Literature cited by the submitters: PubMed 27476653 (cited by Labcorp Genetics (formerly Invitae), Labcorp); PubMed 37402566 (cited by Labcorp Genetics (formerly Invitae), Labcorp).

NM_002439.5(MSH3):c.1738del (p.Trp579_Val580insTer)

Gene: MSH3 (mutS homolog 3; plus strand). Cytogenetic location: 5q14.1.
Variant type: Deletion.
Coding change: c.1738del on transcript NM_002439.5 (MANE Select); coding-DNA position 1738, one base deleted (G; older notation c.1738delG).
Protein change: p.Trp579_Val580insTer.
Molecular consequence: nonsense.
Genome position (GRCh38, 1-based): chr5:80,744,590, G deleted; the last of 3 consecutive G bases (chr5:80,744,588-80,744,590); deleting any one gives the same sequence. VCF-style (leftmost placement, unchanged base first): chr5-80744587-TG-T. GRCh37 (hg19) VCF-style: chr5-80040406-TG-T.
Identifiers: ClinVar variation 1779125 (VCV001779125.9), dbSNP rs1448385261, ClinGen allele CA560563451.